The following is an entry in ClinVar:

ClinVar aggregate classification (germline): Likely benign. Review status: criteria provided, multiple submitters, no conflicts (2 of 4 stars). 3 submissions from 3 submitters: Likely benign (3). Last evaluated 2024-10-01.

Conditions:
Hereditary cancer-predisposing syndrome. Also called: Hereditary neoplastic syndrome; Neoplastic Syndromes, Hereditary; Tumor predisposition; Hereditary Cancer Syndrome. Identifiers: Orphanet 140162, MedGen C0027672, MeSH D009386, MONDO:0015356.
Ataxia-telangiectasia syndrome (AT). Also called: LOUIS-BAR SYNDROME; Cerebello-oculocutaneous telangiectasia; Immunodeficiency with ataxia telangiectasia; AT, COMPLEMENTATION GROUP C; Ataxia-telangiectasia, complementation group D; ATAXIA-TELANGIECTASIA, COMPLEMENTATION GROUP A. Identifiers: Orphanet 100, MedGen C0004135, MONDO:0008840, OMIM 208900.

gnomAD v4.1: 5 of 1,613,856 alleles (0.00031%); highest among the groups gnomAD compares: Non-Finnish European, 0.00042%; no homozygotes.

Submissions (3):

Labcorp Genetics (formerly Invitae), Labcorp
Classification: Likely benign for Ataxia-telangiectasia syndrome. Last evaluated: 2024-10-01. Review status: criteria provided, single submitter. Criteria: Invitae Variant Classification Sherloc (09022015). Collection method: clinical testing. Allele origin: germline.

GeneDx
Classification: Likely benign. Last evaluated: 2018-03-30. Review status: criteria provided, single submitter. Criteria: GeneDx Variant Classification (06012015). Collection method: clinical testing. Allele origin: germline. Affected: yes.
Comment: This variant is considered likely benign or benign based on one or more of the following criteria: it is a conservative change, it occurs at a poorly conserved position in the protein, it is predicted to be benign by multiple in silico algorithms, and/or has population frequency not consistent with disease.

Ambry Genetics
Classification: Likely benign for Hereditary cancer-predisposing syndrome. Last evaluated: 2016-03-15. Review status: criteria provided, single submitter. Criteria: Ambry Variant Classification Scheme 2023. Collection method: clinical testing. Allele origin: germline.

NM_000051.4(ATM):c.2917C>T (p.Leu973=)

Gene: ATM (ATM serine/threonine kinase; plus strand). Cytogenetic location: 11q22.3.
Variant type: single nucleotide variant.
Coding change: c.2917C>T on transcript NM_000051.4 (MANE Select); coding-DNA position 2917, C replaced by T.
Protein change: p.Leu973=; no amino-acid change (leucine 973 retained).
Molecular consequence: synonymous variant.
Genome position (GRCh38, 1-based): chr11:108,271,142, C>T. VCF-style: chr11-108271142-C-T. GRCh37 (hg19) VCF-style: chr11-108141869-C-T.
Other names: c.2917C>T, p.Leu973= (NM_001351834.2).
Identifiers: ClinVar variation 485183 (VCV000485183.15), dbSNP rs535646511, ClinGen allele CA476674222.